The following is an entry in ClinVar:

NM_177438.3(DICER1):c.37G>A (p.Gly13Ser)

Gene: DICER1 (dicer 1, ribonuclease III; minus strand). Cytogenetic location: 14q32.13.
Variant type: single nucleotide variant.
Coding change: c.37G>A on transcript NM_177438.3 (MANE Select); coding-DNA position 37, G replaced by A.
Protein change: p.Gly13Ser; replaces glycine 13 with serine.
Molecular consequence: missense variant.
Genome position (GRCh38, 1-based): chr14:95,133,422, C>T on the plus strand (G>A on the coding strand, the complement: DICER1 is on the minus strand). VCF-style: chr14-95133422-C-T. GRCh37 (hg19) VCF-style: chr14-95599759-C-T.
Other names: c.37G>A, p.Gly13Ser (NM_001291628.2, NM_030621.4, NM_001195573.1 and 1 more transcripts); short protein forms G13S.
Identifiers: ClinVar variation 1481832 (VCV001481832.11), dbSNP rs2140296447, ClinGen allele CA390890726.

ClinVar aggregate classification (germline): Uncertain significance. Review status: criteria provided, multiple submitters, no conflicts (2 of 4 stars). 2 submissions from 2 submitters: Uncertain significance (2). Last evaluated 2026-01-07.

Conditions:
Hereditary cancer-predisposing syndrome. Also called: Hereditary neoplastic syndrome; Tumor predisposition; Neoplastic Syndromes, Hereditary; Hereditary Cancer Syndrome. Identifiers: Orphanet 140162, MedGen C0027672, MeSH D009386, MONDO:0015356.
DICER1-related tumor predisposition. Also called: DICER1-related pleuropulmonary blastoma cancer predisposition syndrome; DICER1 syndrome. Identifiers: Orphanet 284343, MedGen C3839822, MONDO:0100216.

Submissions (2):

Labcorp Genetics (formerly Invitae), Labcorp
Classification: Uncertain significance for DICER1-related tumor predisposition. Last evaluated: 2026-01-07. Review status: criteria provided, single submitter. Criteria: Invitae Variant Classification Sherloc (09022015). Collection method: clinical testing. Allele origin: germline.
Comment: This sequence change replaces glycine, which is neutral and non-polar, with serine, which is neutral and polar, at codon 13 of the DICER1 protein (p.Gly13Ser). This variant is not present in population databases (gnomAD no frequency). This variant has not been reported in the literature in individuals affected with DICER1-related conditions. ClinVar contains an entry for this variant (Variation ID: 1481832). Invitae Evidence Modeling of protein sequence and biophysical properties (such as structural, functional, and spatial information, amino acid conservation, physicochemical variation, residue mobility, and thermodynamic stability) indicates that this missense variant is expected to disrupt DICER1 protein function with a positive predictive value of 95%. In summary, the available evidence is currently insufficient to determine the role of this variant in disease. Therefore, it has been classified as a Variant of Uncertain Significance.

Ambry Genetics
Classification: Uncertain significance for Hereditary cancer-predisposing syndrome. Last evaluated: 2020-03-24. Review status: criteria provided, single submitter. Criteria: Ambry Variant Classification Scheme 2023. Collection method: clinical testing. Allele origin: germline.
Comment: The p.G13S variant (also known as c.37G>A), located in coding exon 1 of the DICER1 gene, results from a G to A substitution at nucleotide position 37. The glycine at codon 13 is replaced by serine, an amino acid with similar properties. This amino acid position is highly conserved in available vertebrate species. In addition, the in silico prediction for this alteration is inconclusive. Since supporting evidence is limited at this time, the clinical significance of this alteration remains unclear.